The following is an entry in ClinVar:

NM_001184.4(ATR):c.5514C>A (p.Ser1838Arg)

Gene: ATR (ATR checkpoint kinase; minus strand). Cytogenetic location: 3q23.
Variant type: single nucleotide variant.
Coding change: c.5514C>A on transcript NM_001184.4 (MANE Select); coding-DNA position 5514, C replaced by A.
Protein change: p.Ser1838Arg; replaces serine 1838 with arginine.
Molecular consequence: missense variant.
Genome position (GRCh38, 1-based): chr3:142,498,641, G>T on the plus strand (C>A on the coding strand, the complement: ATR is on the minus strand). VCF-style: chr3-142498641-G-T. GRCh37 (hg19) VCF-style: chr3-142217483-G-T.
Other names: c.5322C>A, p.Ser1774Arg (NM_001354579.2); short protein forms S1774R, S1838R.
Identifiers: ClinVar variation 1748051 (VCV001748051.2), dbSNP rs2108340881, ClinGen allele CA354815594.
Genomic context (GRCh38, chr3:142,498,641, plus strand): 5'-GGAAATTCCAAAATACCTCACAATATATTCATATCCTCGTTGGTAGGAGCCTCTTTCAAA[G>T]CTTGCAGCTGAAAGAGGTACAATTTGTTCTGCTCTCACTAGTTTCAGTGAGTCATAAAAA-3'
Protein context (NP_001175.2, residues 1828-1848): AEQIVPLSAA[Ser1838Arg]FERGSYQRGY

ClinVar aggregate classification (germline): Uncertain significance (1 of 4 stars; one submission).

Conditions:
Inborn genetic diseases. Identifiers: MedGen C0950123, MeSH D030342.

Submission:

Ambry Genetics
Classification: Uncertain significance for Inborn genetic diseases. Last evaluated: 2021-12-22. Review status: criteria provided, single submitter. Criteria: Ambry Variant Classification Scheme 2023. Collection method: clinical testing. Allele origin: germline.
Comment: The p.S1838R variant (also known as c.5514C>A), located in coding exon 32 of the ATR gene, results from a C to A substitution at nucleotide position 5514. The serine at codon 1838 is replaced by arginine, an amino acid with dissimilar properties. This amino acid position is conserved. In addition, the in silico prediction for this alteration is inconclusive. Since supporting evidence is limited at this time, the clinical significance of this alteration remains unclear.